The following is an entry in ClinVar:

NM_001127222.2(CACNA1A):c.3977C>G (p.Ala1326Gly)

Genes: CACNA1A (calcium voltage-gated channel subunit alpha1 A; minus strand), LOC126862865 (CDK7 strongly-dependent group 2 enhancer GRCh37_chr19:13385818-13387017; plus strand). Cytogenetic location: 19p13.13.
Variant type: single nucleotide variant.
Coding change: c.3977C>G on transcript NM_001127222.2 (MANE Select); coding-DNA position 3977, C replaced by G.
Protein change: p.Ala1326Gly; replaces alanine 1326 with glycine.
Molecular consequence: missense variant.
Genome position (GRCh38, 1-based): chr19:13,275,862, G>C on the plus strand (C>G on the coding strand, the complement: CACNA1A is on the minus strand). VCF-style: chr19-13275862-G-C. GRCh37 (hg19) VCF-style: chr19-13386676-G-C.
Other names: c.3989C>G, p.Ala1330Gly (NM_000068.4, NM_023035.3); c.3980C>G, p.Ala1327Gly (NM_001127221.2, NM_001174080.2); short protein forms A1326G, A1327G, A1330G.
Identifiers: ClinVar variation 3242139 (VCV003242139.1), dbSNP rs2512810704.

ClinVar aggregate classification (germline): Uncertain significance (1 of 4 stars; one submission).

Conditions:
Migraine, familial hemiplegic, 1. Also called: MIGRAINE, FAMILIAL HEMIPLEGIC 1, WITH PROGRESSIVE CEREBELLAR ATAXIA. Identifiers: Orphanet 569, MedGen C1832884, MONDO:0020756, OMIM 141500, MONDO:0007714.

Allele frequency attached by ClinVar (database versions not stated): gnomAD exomes below 0.00001.
gnomAD v4.1: 1 of 1,612,604 alleles (0.000062%); highest among the groups gnomAD compares: Non-Finnish European, 0.000085%; no homozygotes.

Submission:

Neuberg Centre For Genomic Medicine, NCGM
Classification: Uncertain significance for Migraine, familial hemiplegic, 1. Review status: criteria provided, single submitter. Criteria: ACMG Guidelines, 2015. Collection method: clinical testing. Allele origin: germline. Inheritance: Autosomal dominant inheritance. Affected: yes.
Comment: The observed missense c.3977C>G (p.Ala1326Gly) variant in CACNA1A gene has not been reported previously as a pathogenic variant nor as a benign variant, to our knowledge. The p.Ala1326Gly variant is absent in gnomAD Exomes. This variant has not been submitted to the ClinVar database. The amino acid change p.Ala1326Gly in CACNA1A is predicted as conserved by GERP++ and PhyloP across 100 vertebrates. The amino acid Ala at position 1326 is changed to a Gly changing protein sequence and it might alter its composition and physico-chemical properties. Multiple lines of computational evidence (SIFT - Damaging and MutationTaster - Disease causing) predict a damaging effect on protein structure and function for this variant. For these reasons, this variant has been classified as a Variant of Uncertain Significance (VUS).